The following is an entry in ClinVar:

NM_032043.3(BRIP1):c.1182dup (p.Ala395fs)

Gene: BRIP1 (BRCA1 interacting DNA helicase 1; minus strand). Cytogenetic location: 17q23.2.
Variant type: Duplication.
Coding change: c.1182dup on transcript NM_032043.3 (MANE Select); coding-DNA position 1182, one base duplicated (A; older notation c.1182dupA).
Protein change: p.Ala395fs; shifts the reading frame from alanine 395.
Molecular consequence: frameshift variant.
Genome position (GRCh38, 1-based): chr17:61,799,258, T duplicated on the plus strand (A on the coding strand, the reverse complement: BRIP1 is on the minus strand); the first of 2 consecutive T bases (chr17:61,799,258-61,799,259); duplicating either gives the same sequence. VCF-style (leftmost placement, unchanged base first): chr17-61799257-C-CT. GRCh37 (hg19) VCF-style: chr17-59876618-C-CT.
Other names: short protein forms A395fs.
Identifiers: ClinVar variation 2951878 (VCV002951878.3), dbSNP rs2545139110, ClinGen allele CA2740093897.
Genomic context (GRCh38, chr17:61,799,257, plus strand): 5'-GCTGAACTTCTGTTACACTGTAACTTGCTGATTCCCGAGCACAGTCCTCGATGTTATGAG[C>CT]TTCATCTAAAATGACAACCTGTTCTTTCAGATTTAAATCCATCTATAAGATAAAAGAATT-3'

ClinVar aggregate classification (germline): Pathogenic (1 of 4 stars; one submission).

Conditions:
Familial cancer of breast. Also called: BREAST CANCER, FAMILIAL; hereditary breast carcinoma; Hereditary breast cancer. Identifiers: Orphanet 227535, MedGen C0346153, MONDO:0016419, OMIM 114480. Disease mechanism: loss of function.
Fanconi anemia complementation group J. Also called: BRIP1-Related Fanconi Anemia. Identifiers: Orphanet 84, MedGen C1836860, MONDO:0012187, OMIM 609054.

Submission:

Labcorp Genetics (formerly Invitae), Labcorp
Classification: Pathogenic for Familial cancer of breast; Fanconi anemia complementation group J. Last evaluated: 2023-09-12. Review status: criteria provided, single submitter. Criteria: Invitae Variant Classification Sherloc (09022015). Collection method: clinical testing. Allele origin: germline.
Comment: For these reasons, this variant has been classified as Pathogenic. This variant has not been reported in the literature in individuals affected with BRIP1-related conditions. This variant is not present in population databases (gnomAD no frequency). This sequence change creates a premature translational stop signal (p.Ala395Serfs*3) in the BRIP1 gene. It is expected to result in an absent or disrupted protein product. Loss-of-function variants in BRIP1 are known to be pathogenic (PMID: 16116423, 17033622, 21964575).

Literature cited by the submitters: PubMed 16116423; PubMed 17033622; PubMed 21964575.